The following is an entry in ClinVar:

ClinVar aggregate classification (germline): Pathogenic. Review status: reviewed by expert panel (3 of 4 stars). 19 submissions from 18 submitters: Pathogenic (1). 18 of the submissions do not count toward it. Last evaluated 2016-10-18.

Conditions:
Hereditary cancer-predisposing syndrome. Also called: Hereditary Cancer Syndrome; Hereditary neoplastic syndrome; Neoplastic Syndromes, Hereditary; Tumor predisposition. Identifiers: Orphanet 140162, MedGen C0027672, MeSH D009386, MONDO:0015356.
Malignant tumor of urinary bladder. Also called: Bladder cancer; Urinary bladder cancer; Urinary Bladder Neoplasms. Identifiers: MedGen C0005684, MONDO:0001187, OMIM 109800.
Familial cancer of breast. Also called: hereditary breast carcinoma; BREAST CANCER, FAMILIAL; Hereditary breast cancer. Identifiers: Orphanet 227535, MedGen C0346153, MONDO:0016419, OMIM 114480. Disease mechanism: loss of function.
Hereditary breast ovarian cancer syndrome. Also called: BRCA1- and BRCA2-Associated Hereditary Breast and Ovarian Cancer; Hereditary breast and ovarian cancer syndrome; Hereditary breast and ovarian cancer syndrome (HBOC); Breast and ovarian cancer; Hereditary breast and/or ovarian cancer syndrome; Hereditary breast and ovarian cancer. Identifiers: Orphanet 145, MedGen C0677776, MeSH D061325, MONDO:0003582. Disease mechanism: loss of function.
Pancreatic cancer, susceptibility to, 4. Identifiers: Orphanet 1333, MedGen C3280442, MONDO:0013685, OMIM 614320.
Breast-ovarian cancer, familial, susceptibility to, 1 (BROVCA1). Also called: BRCA1 Hereditary Breast and Ovarian Cancer; OVARIAN CANCER, SUSCEPTIBILITY TO. Identifiers: Orphanet 145, MedGen C2676676, MONDO:0011450, OMIM 604370. Disease mechanism: loss of function.

Allele frequency attached by ClinVar (database versions not stated): gnomAD exomes below 0.00001.
gnomAD v4.1: 1 of 1,614,174 alleles (0.000062%); highest among the groups gnomAD compares: Non-Finnish European, 0.000085%; no homozygotes.

Submissions 1 to 11 of 20:

Evidence-based Network for the Interpretation of Germline Mutant Alleles (ENIGMA)
Classification: Pathogenic for Breast-ovarian cancer, familial, susceptibility to, 1. Last evaluated: 2016-10-18. Review status: reviewed by expert panel. Criteria: ENIGMA BRCA1/2 Classification Criteria (2015). Collection method: curation. Allele origin: germline.
Comment: Variant allele predicted to encode a truncated non-functional protein.

Labcorp Genetics (formerly Invitae), Labcorp
Classification: Pathogenic for Hereditary breast ovarian cancer syndrome. Last evaluated: 2026-01-25. Review status: criteria provided, single submitter. Criteria: Invitae Variant Classification Sherloc (09022015). Collection method: clinical testing. Allele origin: germline. Not counted in ClinVar's aggregate classification.
Comment: This sequence change creates a premature translational stop signal (p.Gln1811*) in the BRCA1 gene. While this is not anticipated to result in nonsense mediated decay, it is expected to disrupt the last 53 amino acid(s) of the BRCA1 protein. This variant is not present in population databases (gnomAD no frequency). This premature translational stop signal has been observed in individual(s) with hereditary breast and/or ovarian cancer (PMID: 10644434, 22434525, 24010542, 25452441, 29446198, 29752822). This variant is also known as c.5550C>T. ClinVar contains an entry for this variant (Variation ID: 55577). Algorithms developed to predict the effect of sequence changes on RNA splicing suggest that this variant may disrupt the consensus splice site. This variant disrupts a region of the BRCA1 protein in which other variant(s) (p.Arg1835*, p.Trp1815*) have been determined to be pathogenic (PMID: 8554067, 8968102, 11739404, 12360400, 20104584, 26187060, 27553291). This suggests that this is a clinically significant region of the protein, and that variants that disrupt it are likely to be disease-causing. For these reasons, this variant has been classified as Pathogenic.

Institute of Human Genetics, University of Leipzig Medical Center
Classification: Pathogenic for Familial cancer of breast. Last evaluated: 2024-11-19. Review status: criteria provided, single submitter. Criteria: ACMG Guidelines, 2015. Collection method: clinical testing. Allele origin: unknown. Inheritance: Autosomal dominant inheritance. Affected: yes. Not counted in ClinVar's aggregate classification.
Comment: Criteria applied: PVS1,PM5_STR,PM2_SUP

Department of Human Genetics, Hannover Medical School
Classification: Pathogenic for Pancreatic cancer, susceptibility to, 4. Last evaluated: 2024-10-11. Review status: criteria provided, single submitter. Criteria: ACMG Guidelines, 2015. Collection method: clinical testing. Allele origin: germline. Affected: yes. Not counted in ClinVar's aggregate classification.
Comment: PVS1, PM2_Supporting, PM5_Strong

GeneDx
Classification: Pathogenic. Last evaluated: 2023-11-13. Review status: criteria provided, single submitter. Criteria: GeneDx Variant Classification Process June 2021. Collection method: clinical testing. Allele origin: germline. Affected: yes. Not counted in ClinVar's aggregate classification.
Comment: Nonsense variant predicted to result in protein truncation in a gene for which loss-of-function is a known mechanism of disease; Not observed in large population cohorts (gnomAD); Truncating variants in this gene are considered pathogenic by a well-established clinical consortium and/or database; Also known as 5550C>T; This variant is associated with the following publications: (PMID: 11773283, 22434525, 10644434, 24010542, 26300996, 25452441, 16944269, 29752822, 30209399, 29446198, 30825404, 31209999, 29297111, 29805665, 30352249, 31825140, 32438681, 34645131)

Institute of Human Genetics, University of Leipzig Medical Center
Classification: Likely pathogenic for Breast-ovarian cancer, familial, susceptibility to, 1. Last evaluated: 2023-05-08. Review status: criteria provided, single submitter. Criteria: ACMG Guidelines, 2015. Collection method: clinical testing. Allele origin: unknown. Inheritance: Autosomal dominant inheritance. Affected: yes. Not counted in ClinVar's aggregate classification.
Comment: Criteria applied: PVS1_STR,PS4,PM2_SUP

Ambry Genetics
Classification: Pathogenic for Hereditary cancer-predisposing syndrome. Last evaluated: 2022-11-02. Review status: criteria provided, single submitter. Criteria: Ambry Variant Classification Scheme 2023. Collection method: clinical testing. Allele origin: germline. Not counted in ClinVar's aggregate classification.
Comment: The p.Q1811* pathogenic mutation (also known as c.5431C>T), located in coding exon 21 of the BRCA1 gene, results from a C to T substitution at nucleotide position 5431. This changes the amino acid from a glutamine to a stop codon within coding exon 21. This mutation has been reported in multiple individuals with hereditary breast and/or ovarian cancer (Wagner T et al. Genomics, 1999 Dec;62:369-76; Findlay GM et al. Nature, 2018 10;562:217-222; Li JY et al. Int. J. Cancer, 2019 01;144:281-289; Rebbeck TR et al. Hum. Mutat., 2018 05;39:593-620; Wei H et al. Oncol Lett, 2018 Jun;15:9420-9428; Kotoula V et al. Am J Cancer Res, 2017 Jan;7:98-114; Alhuqail AJ et al. Breast Cancer Res. Treat., 2018 Apr;168:695-702; Laitman Y et al. Hum. Mutat., 2019 Jun). This alteration is expected to result in loss of function by premature protein truncation or nonsense-mediated mRNA decay. As such, this alteration is interpreted as a disease-causing mutation.

Baylor Genetics
Classification: Pathogenic for Breast-ovarian cancer, familial, susceptibility to, 1. Last evaluated: 2022-03-10. Review status: criteria provided, single submitter. Criteria: ACMG Guidelines, 2015. Collection method: clinical testing. Allele origin: unknown. Not counted in ClinVar's aggregate classification.

Institute for Clinical Genetics, University Hospital TU Dresden, University Hospital TU Dresden
Classification: Pathogenic. Last evaluated: 2021-11-03. Review status: criteria provided, single submitter. Criteria: ACMG Guidelines, 2015. Collection method: clinical testing. Allele origin: germline. Not counted in ClinVar's aggregate classification.

GeneKor MSA
Classification: Pathogenic. Last evaluated: 2020-01-01. Review status: criteria provided, single submitter. Criteria: ACMG Guidelines, 2015. Collection method: clinical testing. Allele origin: germline. Not counted in ClinVar's aggregate classification.
Comment: This is a single base substitution, replacing the Glutamine at position 1811 of the BRCA1 protein by a Termination codon. It is expected to result in a truncated, non-functional protein. Truncating variants in BRCA1 are known to be pathogenic.

Clinical Genetics and Genomics, Karolinska University Hospital
Classification: Pathogenic. Last evaluated: 2019-12-19. Review status: criteria provided, single submitter. Criteria: ACMG Guidelines, 2015. Collection method: clinical testing. Allele origin: germline. Affected: yes. Observed: 1 variant allele. Not counted in ClinVar's aggregate classification.

NM_007294.4(BRCA1):c.5431C>T (p.Gln1811Ter)

Gene: BRCA1 (BRCA1 DNA repair associated; minus strand). Cytogenetic location: 17q21.31.
Variant type: single nucleotide variant.
Coding change: c.5431C>T on transcript NM_007294.4 (MANE Select); coding-DNA position 5431, C replaced by T.
Protein change: p.Gln1811Ter; replaces glutamine 1811 with a stop codon.
Molecular consequence: nonsense. On other transcripts: missense variant (17), non-coding transcript variant (1).
Genome position (GRCh38, 1-based): chr17:43,047,679, G>A on the plus strand (C>T on the coding strand, the complement: BRCA1 is on the minus strand). VCF-style: chr17-43047679-G-A. GRCh37 (hg19) VCF-style: chr17-41199696-G-A.
Other names: 5550C>T-Gln1811ter; c.5494C>T (NM_007300.3); c.5428C>T, p.Gln1810Ter (NM_001407610.1, NM_001407611.1, NM_001407612.1 and 14 more transcripts); c.5425C>T, p.Gln1809Ter (NM_001407629.1, NM_001407630.1, NM_001407631.1 and 13 more transcripts); c.5371C>T, p.Gln1791Ter (NM_001407649.1); c.5353C>T, p.Gln1785Ter (NM_001407652.1, NM_001407653.1, NM_001407654.1 and 1 more transcripts); c.5350C>T, p.Gln1784Ter (NM_001407656.1, NM_001407657.1, NM_001407658.1); c.5347C>T, p.Gln1783Ter (NM_001407659.1, NM_001407660.1, NM_001407661.1 and 2 more transcripts); and 85 more; short protein forms Q1811*, A682V, Q1764*, Q707*, Q1832*, A1738V, A1745V, A1784V.
Identifiers: ClinVar variation 55577 (VCV000055577.38), dbSNP rs397509283, ClinGen allele CA003593.